The following is an entry in ClinVar:

ClinVar aggregate classification (germline): Uncertain significance. Review status: criteria provided, multiple submitters, no conflicts (2 of 4 stars). 2 submissions from 2 submitters: Uncertain significance (2). Last evaluated 2025-01-13.

Allele frequency attached by ClinVar (database versions not stated): TOPMed 0.00002; gnomAD 0.00003; gnomAD exomes 0.00004; ExAC 0.00006.
gnomAD v4.1: 54 of 1,588,206 alleles (0.0034%); highest among the groups gnomAD compares: Non-Finnish European, 0.0044%; no homozygotes.

Submissions (2):

Labcorp Genetics (formerly Invitae), Labcorp
Classification: Uncertain significance. Last evaluated: 2025-01-13. Review status: criteria provided, single submitter. Criteria: Invitae Variant Classification Sherloc (09022015). Collection method: clinical testing. Allele origin: germline.
Comment: This sequence change replaces threonine, which is neutral and polar, with alanine, which is neutral and non-polar, at codon 735 of the ARHGEF18 protein (p.Thr735Ala). This variant is present in population databases (rs770828520, gnomAD 0.007%). This variant has not been reported in the literature in individuals affected with ARHGEF18-related conditions. ClinVar contains an entry for this variant (Variation ID: 1933536). An algorithm developed to predict the effect of missense changes on protein structure and function (PolyPhen-2) suggests that this variant is likely to be tolerated. In summary, the available evidence is currently insufficient to determine the role of this variant in disease. Therefore, it has been classified as a Variant of Uncertain Significance.

Blueprint Genetics
Classification: Uncertain significance. Last evaluated: 2022-07-21. Review status: criteria provided, single submitter. Criteria: ACMG Guidelines, 2015. Collection method: clinical testing. Allele origin: germline.

NM_001367823.1(ARHGEF18):c.2767A>G (p.Thr923Ala)

Gene: ARHGEF18 (Rho/Rac guanine nucleotide exchange factor 18; plus strand). Cytogenetic location: 19p13.2.
Variant type: single nucleotide variant.
Coding change: c.2767A>G on transcript NM_001367823.1 (MANE Select); coding-DNA position 2767, A replaced by G.
Protein change: p.Thr923Ala; replaces threonine 923 with alanine.
Molecular consequence: missense variant.
Genome position (GRCh38, 1-based): chr19:7,463,949, A>G. VCF-style: chr19-7463949-A-G. GRCh37 (hg19) VCF-style: chr19-7528835-A-G.
Other names: c.2041A>G, p.Thr681Ala (NM_001130955.2); c.1729A>G, p.Thr577Ala (NM_001367824.1, NM_015318.4); short protein forms T923A, T681A, T577A.
Identifiers: ClinVar variation 1933536 (VCV001933536.6), dbSNP rs770828520, ClinGen allele CA9136968.